The following is an entry in ClinVar:

ClinVar aggregate classification (germline): Conflicting classifications of pathogenicity. Review status: criteria provided, conflicting classifications (1 of 4 stars). 4 submissions from 4 submitters: Uncertain significance (1); Likely benign (2). 1 of the submissions does not count toward it. Last evaluated 2025-04-04.

Conditions:
GLI2-related disorder. Also called: GLI2-related disorders; GLI2-related condition.
Inborn genetic diseases. Identifiers: MedGen C0950123, MeSH D030342.
Holoprosencephaly 9 (HPE9). Also called: PITUITARY ANOMALIES WITH HOLOPROSENCEPHALY-LIKE FEATURES; HOLOPROSENCEPHALY WITH MICROPHTHALMIA AND FIRST BRANCHIAL ARCH ANOMALIES. Identifiers: Orphanet 2162, MedGen C1835819, MONDO:0012563, OMIM 610829.
Postaxial polydactyly-anterior pituitary anomalies-facial dysmorphism syndrome. Also called: Culler-Jones syndrome. Identifiers: Orphanet 420584, MedGen C4014479, MONDO:0014369, OMIM 615849.

Allele frequency attached by ClinVar (database versions not stated): gnomAD exomes 0.00009; ExAC 0.00011; 1000 Genomes Project 30x 0.00016; 1000 Genomes Project 0.00020; ESP Exome Variant Server 0.00031; TOPMed 0.00031; gnomAD 0.00032 and 0.00035.
gnomAD v4.1: 126 of 1,612,542 alleles (0.0078%); highest among the groups gnomAD compares: African/African-American, 0.1%; no homozygotes.

Submissions (4):

Ambry Genetics
Classification: Likely benign for Inborn genetic diseases. Last evaluated: 2025-04-04. Review status: criteria provided, single submitter. Criteria: Ambry Variant Classification Scheme 2023. Collection method: clinical testing. Allele origin: germline.

Labcorp Genetics (formerly Invitae), Labcorp
Classification: Likely benign for Postaxial polydactyly-anterior pituitary anomalies-facial dysmorphism syndrome; Holoprosencephaly 9. Last evaluated: 2024-05-07. Review status: criteria provided, single submitter. Criteria: Invitae Variant Classification Sherloc (09022015). Collection method: clinical testing. Allele origin: germline.

CeGaT Center for Human Genetics Tuebingen
Classification: Uncertain significance. Last evaluated: 2017-03-01. Review status: criteria provided, single submitter. Criteria: CeGaT Center For Human Genetics Tuebingen Variant Classification Criteria Version 2. Collection method: clinical testing. Allele origin: germline. Affected: yes. Observed: 1 variant allele.

PreventionGenetics, part of Exact Sciences
Classification: Likely benign for GLI2-related condition. Last evaluated: 2022-04-07. Review status: no assertion criteria provided. Collection method: clinical testing. Allele origin: germline. Not counted in ClinVar's aggregate classification.
Comment: This variant is classified as likely benign based on ACMG/AMP sequence variant interpretation guidelines (Richards et al. 2015 PMID: 25741868, with internal and published modifications).

NM_001374353.1(GLI2):c.305G>A (p.Arg102Gln)

Gene: GLI2 (GLI family zinc finger 2; plus strand). Cytogenetic location: 2q14.2.
Variant type: single nucleotide variant.
Coding change: c.305G>A on transcript NM_001374353.1 (MANE Select); coding-DNA position 305, G replaced by A.
Protein change: p.Arg102Gln; replaces arginine 102 with glutamine.
Molecular consequence: missense variant. On other transcripts: 5 prime UTR variant (1).
Genome position (GRCh38, 1-based): chr2:120,951,293, G>A. VCF-style: chr2-120951293-G-A. GRCh37 (hg19) VCF-style: chr2-121708869-G-A.
Other names: c.305G>A, p.Arg102Gln (NM_001371271.1, NM_005270.5); c.-71G>A (NM_001374354.1); short protein forms R102Q.
Identifiers: ClinVar variation 444517 (VCV000444517.52), dbSNP rs148442092, ClinGen allele CA1851494.
Genomic context (GRCh38, chr2:120,951,293, plus strand): 5'-GTCTCTGCAGGCCCCCTGCCCTCAGCGGCAGCCCTGTCATCTCTGACATCTCCTTGATCC[G>A]GCTTTCCCCGCACCCGGCTGGCCCTGGGGAGTCCCCCTTCAACGCCCCCCACCCGTACGT-3'
Protein context (NP_001361282.1, residues 92-112): SPVISDISLI[Arg102Gln]LSPHPAGPGE